The following is an entry in ClinVar:

NM_030962.4(SBF2):c.4588A>G (p.Lys1530Glu)

Genes: SBF2 (SET binding factor 2; minus strand), SBF2-AS1 (SBF2 antisense RNA 1; plus strand), LOC105369149 (uncharacterized LOC105369149; plus strand). Cytogenetic location: 11p15.4.
Variant type: single nucleotide variant.
Coding change: c.4588A>G on transcript NM_030962.4 (MANE Select); coding-DNA position 4588, A replaced by G.
Protein change: p.Lys1530Glu; replaces lysine 1530 with glutamic acid.
Molecular consequence: missense variant.
Genome position (GRCh38, 1-based): chr11:9,790,666, T>C on the plus strand (A>G on the coding strand, the complement: SBF2 is on the minus strand). VCF-style: chr11-9790666-T-C. GRCh37 (hg19) VCF-style: chr11-9812213-T-C.
Other names: c.4684A>G, p.Lys1562Glu (NM_001386339.1); c.4459A>G, p.Lys1487Glu (NM_001386342.1); short protein forms K1530E, K1487E, K1562E.
Identifiers: ClinVar variation 953853 (VCV000953853.10), dbSNP rs746575779, ClinGen allele CA5880936.

ClinVar aggregate classification (germline): Uncertain significance (1 of 4 stars; one submission).

Conditions:
Charcot-Marie-Tooth disease type 4. Also called: Charcot-Marie-Tooth disease, type IV; Charcot-Marie-Tooth, Type 4. Identifiers: Orphanet 64749, MedGen C4082197, MONDO:0018995.

Allele frequency attached by ClinVar (database versions not stated): gnomAD exomes below 0.00001 and 0.00001; ExAC 0.00001; gnomAD 0.00002; TOPMed 0.00003.
gnomAD v4.1: 10 of 1,579,930 alleles (0.00063%); highest among the groups gnomAD compares: Admixed American, 0.0034%; no homozygotes.

Submission:

Labcorp Genetics (formerly Invitae), Labcorp
Classification: Uncertain significance for Charcot-Marie-Tooth disease type 4. Last evaluated: 2024-10-15. Review status: criteria provided, single submitter. Criteria: Invitae Variant Classification Sherloc (09022015). Collection method: clinical testing. Allele origin: germline.
Comment: This sequence change replaces lysine, which is basic and polar, with glutamic acid, which is acidic and polar, at codon 1530 of the SBF2 protein (p.Lys1530Glu). This variant is present in population databases (rs746575779, gnomAD 0.003%). This variant has not been reported in the literature in individuals affected with SBF2-related conditions. ClinVar contains an entry for this variant (Variation ID: 953853). Invitae Evidence Modeling of protein sequence and biophysical properties (such as structural, functional, and spatial information, amino acid conservation, physicochemical variation, residue mobility, and thermodynamic stability) indicates that this missense variant is not expected to disrupt SBF2 protein function with a negative predictive value of 80%. In summary, the available evidence is currently insufficient to determine the role of this variant in disease. Therefore, it has been classified as a Variant of Uncertain Significance.